The following is an entry in ClinVar:

ClinVar aggregate classification (germline): Benign/Likely benign. Review status: criteria provided, multiple submitters, no conflicts (2 of 4 stars). 4 submissions from 4 submitters: Benign (1); Likely benign (3). Last evaluated 2026-01-28.

Conditions:
Colorectal cancer, susceptibility to, 12 (CRCS12). Also called: COLORECTAL CANCER, SUSCEPTIBILITY TO, ON CHROMOSOME 12q24. Identifiers: Orphanet 220460, MedGen C3554460, MONDO:0014038, OMIM 615083.
Hereditary cancer-predisposing syndrome. Also called: Hereditary Cancer Syndrome; Hereditary neoplastic syndrome; Neoplastic Syndromes, Hereditary; Tumor predisposition. Identifiers: Orphanet 140162, MedGen C0027672, MeSH D009386, MONDO:0015356.

Allele frequency attached by ClinVar (database versions not stated): TOPMed 0.00002.
gnomAD v4.1: 4 of 1,606,632 alleles (0.00025%); highest among the groups gnomAD compares: African/African-American, 0.0013%; no homozygotes.

Submissions (4):

Labcorp Genetics (formerly Invitae), Labcorp
Classification: Likely benign. Last evaluated: 2026-01-28. Review status: criteria provided, single submitter. Criteria: Invitae Variant Classification Sherloc (09022015). Collection method: clinical testing. Allele origin: germline.

Myriad Genetics, Inc.
Classification: Benign for Colorectal cancer, susceptibility to, 12. Last evaluated: 2025-02-11. Review status: criteria provided, single submitter. Criteria: Myriad Autosomal Dominant, Autosomal Recessive and X-Linked Classification Criteria (2023). Collection method: clinical testing. Allele origin: unknown.
Comment: This variant is considered benign. This variant is a silent/synonymous amino acid change and it is not expected to impact splicing.

Ambry Genetics
Classification: Likely benign for Hereditary cancer-predisposing syndrome. Last evaluated: 2022-11-11. Review status: criteria provided, single submitter. Criteria: Ambry Variant Classification Scheme 2023. Collection method: clinical testing. Allele origin: germline.

GeneDx
Classification: Likely benign. Last evaluated: 2016-07-14. Review status: criteria provided, single submitter. Criteria: GeneDx Variant Classification (06012015). Collection method: clinical testing. Allele origin: germline. Affected: yes.
Comment: This variant is considered likely benign or benign based on one or more of the following criteria: it is a conservative change, it occurs at a poorly conserved position in the protein, it is predicted to be benign by multiple in silico algorithms, and/or has population frequency not consistent with disease.

NM_006231.4(POLE):c.1464G>A (p.Glu488=)

Gene: POLE (DNA polymerase epsilon, catalytic subunit; minus strand). Cytogenetic location: 12q24.33.
Variant type: single nucleotide variant.
Coding change: c.1464G>A on transcript NM_006231.4 (MANE Select); coding-DNA position 1464, G replaced by A.
Protein change: p.Glu488=; no amino-acid change (glutamic acid 488 retained).
Molecular consequence: synonymous variant.
Genome position (GRCh38, 1-based): chr12:132,673,173, C>T on the plus strand (G>A on the coding strand, the complement: POLE is on the minus strand). VCF-style: chr12-132673173-C-T. GRCh37 (hg19) VCF-style: chr12-133249759-C-T.
Identifiers: ClinVar variation 387777 (VCV000387777.11), dbSNP rs1012445618, ClinGen allele CA16606457.